The following is an entry in ClinVar:

ClinVar aggregate classification (germline): Conflicting classifications of pathogenicity. Review status: criteria provided, conflicting classifications (1 of 4 stars). 3 submissions from 3 submitters: Uncertain significance (2); Benign (1). Last evaluated 2023-10-13.

Conditions:
Intellectual developmental disorder, autosomal dominant 6, with or without seizures. Also called: Intellectual disability, autosomal dominant 6; GRIN2B-related developmental delay, intellectual disability and autism spectrum disorder. Identifiers: Orphanet 589547, MedGen C3151411, MONDO:0013509, OMIM 613970.
Developmental and epileptic encephalopathy, 27 (DEE27). Also called: Epileptic encephalopathy, early infantile, 27; GRIN2B-Related Neurodevelopmental Disorder. Identifiers: Orphanet 3451, MedGen C4015316, MONDO:0014505, OMIM 616139.

gnomAD v4.1: 7 of 1,614,166 alleles (0.00043%); highest among the groups gnomAD compares: Non-Finnish European, 0.00059%; no homozygotes.

Submissions (3):

Labcorp Genetics (formerly Invitae), Labcorp
Classification: Benign for Developmental and epileptic encephalopathy, 27; Intellectual developmental disorder, autosomal dominant 6, with or without seizures. Last evaluated: 2023-10-13. Review status: criteria provided, single submitter. Criteria: Invitae Variant Classification Sherloc (09022015). Collection method: clinical testing. Allele origin: germline.

Fulgent Genetics
Classification: Uncertain significance for Intellectual developmental disorder, autosomal dominant 6, with or without seizures; Developmental and epileptic encephalopathy, 27. Last evaluated: 2021-09-01. Review status: criteria provided, single submitter. Criteria: ACMG Guidelines, 2015. Collection method: clinical testing. Allele origin: unknown.

Baylor Genetics
Classification: Uncertain significance for Developmental and epileptic encephalopathy, 27. Last evaluated: 2019-10-07. Review status: criteria provided, single submitter. Criteria: ACMG Guidelines, 2015. Collection method: clinical testing. Allele origin: unknown. Affected: yes.
Comment: This variant was determined to be of uncertain significance according to ACMG Guidelines, 2015 [PMID:25741868].

NM_000834.5(GRIN2B):c.4307G>C (p.Gly1436Ala)

Gene: GRIN2B (glutamate ionotropic receptor NMDA type subunit 2B; minus strand). Cytogenetic location: 12p13.1.
Variant type: single nucleotide variant.
Coding change: c.4307G>C on transcript NM_000834.5 (MANE Select); coding-DNA position 4307, G replaced by C.
Protein change: p.Gly1436Ala; replaces glycine 1436 with alanine.
Molecular consequence: missense variant.
Genome position (GRCh38, 1-based): chr12:13,562,931, C>G on the plus strand (G>C on the coding strand, the complement: GRIN2B is on the minus strand). VCF-style: chr12-13562931-C-G. GRCh37 (hg19) VCF-style: chr12-13715865-C-G.
Other names: short protein forms G1436A.
Identifiers: ClinVar variation 569867 (VCV000569867.14), dbSNP rs1565452616, ClinGen allele CA383985493.